The following is an entry in ClinVar:

ClinVar aggregate classification (germline): Pathogenic/Likely pathogenic. Review status: criteria provided, multiple submitters, no conflicts (2 of 4 stars). 3 submissions from 3 submitters: Pathogenic (1); Likely pathogenic (1). 1 of the submissions does not count toward it. Last evaluated 2025-10-06.

Conditions:
RP1-related disorder. Also called: RP1-related condition.
Retinitis pigmentosa (RP). Identifiers: Orphanet 791, MedGen C0035334, MeSH D012174, MONDO:0019200, OMIM 268000. Inheritance: Autosomal dominant, autosomal recessive and X linked inheritance.

Submissions (3):

Labcorp Genetics (formerly Invitae), Labcorp
Classification: Pathogenic. Last evaluated: 2025-10-06. Review status: criteria provided, single submitter. Criteria: Invitae Variant Classification Sherloc (09022015). Collection method: clinical testing. Allele origin: germline.
Comment: This sequence change creates a premature translational stop signal (p.Gln886*) in the RP1 gene. While this is not anticipated to result in nonsense mediated decay, it is expected to disrupt the last 1271 amino acid(s) of the RP1 protein. This variant is not present in population databases (gnomAD no frequency). This premature translational stop signal has been observed in individual(s) with clinical features of autosomal dominant RP1-related conditions (PMID: 28041643, 38219857). ClinVar contains an entry for this variant (Variation ID: 437956). This variant disrupts the C-terminus of the RP1 protein. Many variants that disrupt this region have been reported in individuals with either autosomal dominant or autosomal recessive retinitis pigmentosa (PMID: 11527933, 19933189, 29425069, 30027431, 33681214). Therefore, variants that disrupt this region are expected to be disease-causing. For these reasons, this variant has been classified as Pathogenic.

Blueprint Genetics
Classification: Likely pathogenic for RP1-related disorders. Last evaluated: 2019-01-02. Review status: criteria provided, single submitter. Criteria: ACMG Guidelines, 2015. Collection method: clinical testing. Allele origin: germline. Affected: yes. Observed: 1 variant allele.

NIHR Bioresource Rare Diseases, University of Cambridge
Classification: Likely pathogenic for Retinitis pigmentosa. Last evaluated: 2015-01-01. Review status: no assertion criteria provided. Collection method: research. Allele origin: unknown. Affected: yes. Observed: 1 variant allele. Not counted in ClinVar's aggregate classification.

Literature cited by the submitters: PubMed 28041643 (cited by Labcorp Genetics (formerly Invitae), Labcorp and NIHR Bioresource Rare Diseases, University of Cambridge); PubMed 38219857 (cited by Labcorp Genetics (formerly Invitae), Labcorp); PubMed 11527933 (cited by Labcorp Genetics (formerly Invitae), Labcorp); PubMed 19933189 (cited by Labcorp Genetics (formerly Invitae), Labcorp); PubMed 29425069 (cited by Labcorp Genetics (formerly Invitae), Labcorp); PubMed 30027431 (cited by Labcorp Genetics (formerly Invitae), Labcorp); PubMed 33681214 (cited by Labcorp Genetics (formerly Invitae), Labcorp).

NM_006269.2(RP1):c.2656C>T (p.Gln886Ter)

Gene: RP1 (RP1 axonemal microtubule associated; plus strand). Cytogenetic location: 8q12.1.
Variant type: single nucleotide variant.
Coding change: c.2656C>T on transcript NM_006269.2 (MANE Select); coding-DNA position 2656, C replaced by T.
Protein change: p.Gln886Ter; replaces glutamine 886 with a stop codon.
Molecular consequence: nonsense.
Genome position (GRCh38, 1-based): chr8:54,626,538, C>T. VCF-style: chr8-54626538-C-T. GRCh37 (hg19) VCF-style: chr8-55539098-C-T.
Other names: short protein forms Q886*.
Identifiers: ClinVar variation 437956 (VCV000437956.5), dbSNP rs1554519651, ClinGen allele CA370994333.